The following is an entry in ClinVar:

ClinVar aggregate classification (germline): Uncertain significance (1 of 4 stars; one submission).

Conditions:
Wilms tumor 1 (WT1). Also called: Wilms tumor, somatic. Identifiers: Orphanet 654, MedGen CN033288, MONDO:0008679, OMIM 194070.

Allele frequency attached by ClinVar (database versions not stated): ExAC 0.00001; gnomAD 0.00001; 1000 Genomes Project 30x 0.00021; 1000 Genomes Project 0.00026.
gnomAD v4.1: 1 of 1,207,882 alleles (0.000083%); highest among the groups gnomAD compares: Admixed American, 0.0022%; no homozygotes.

Submission:

Labcorp Genetics (formerly Invitae), Labcorp
Classification: Uncertain significance for Wilms tumor 1. Last evaluated: 2022-10-25. Review status: criteria provided, single submitter. Criteria: Invitae Variant Classification Sherloc (09022015). Collection method: clinical testing. Allele origin: germline.
Comment: This sequence change replaces lysine, which is basic and polar, with asparagine, which is neutral and polar, at codon 336 of the GPC3 protein (p.Lys336Asn). This variant is present in population databases (rs773421934, gnomAD 0.004%). This variant has not been reported in the literature in individuals affected with GPC3-related conditions. Advanced modeling of protein sequence and biophysical properties (such as structural, functional, and spatial information, amino acid conservation, physicochemical variation, residue mobility, and thermodynamic stability) performed at Invitae indicates that this missense variant is not expected to disrupt GPC3 protein function. In summary, the available evidence is currently insufficient to determine the role of this variant in disease. Therefore, it has been classified as a Variant of Uncertain Significance.

NM_004484.4(GPC3):c.1008G>C (p.Lys336Asn)

Gene: GPC3 (glypican 3; minus strand). Cytogenetic location: Xq26.2.
Variant type: single nucleotide variant.
Coding change: c.1008G>C on transcript NM_004484.4 (MANE Select); coding-DNA position 1008, G replaced by C.
Protein change: p.Lys336Asn; replaces lysine 336 with asparagine.
Molecular consequence: missense variant.
Genome position (GRCh38, 1-based): chrX:133,753,506, C>G on the plus strand (G>C on the coding strand, the complement: GPC3 is on the minus strand). VCF-style: chrX-133753506-C-G. GRCh37 (hg19) VCF-style: chrX-132887533-C-G.
Other names: c.1008G>C, p.Lys336Asn (NM_001164617.2); c.960G>C, p.Lys320Asn (NM_001164618.2); c.846G>C, p.Lys282Asn (NM_001164619.2); short protein forms K282N, K320N, K336N.
Identifiers: ClinVar variation 1722153 (VCV001722153.6), dbSNP rs773421934, ClinGen allele CA10520762.